The following is an entry in ClinVar:

NM_000466.3(PEX1):c.2165T>C (p.Leu722Pro)

Gene: PEX1 (peroxisomal biogenesis factor 1; minus strand). Cytogenetic location: 7q21.2.
Variant type: single nucleotide variant.
Coding change: c.2165T>C on transcript NM_000466.3 (MANE Select); coding-DNA position 2165, T replaced by C.
Protein change: p.Leu722Pro; replaces leucine 722 with proline.
Molecular consequence: missense variant.
Genome position (GRCh38, 1-based): chr7:92,503,102, A>G on the plus strand (T>C on the coding strand, the complement: PEX1 is on the minus strand). VCF-style: chr7-92503102-A-G. GRCh37 (hg19) VCF-style: chr7-92132416-A-G.
Other names: c.1994T>C, p.Leu665Pro (NM_001282677.2); c.1541T>C, p.Leu514Pro (NM_001282678.2); short protein forms L514P, L665P, L722P.
Identifiers: ClinVar variation 1805623 (VCV001805623.1), dbSNP rs2484664903, ClinGen allele CA368181567.

ClinVar aggregate classification (germline): Uncertain significance (1 of 4 stars; one submission).

Conditions:
Peroxisome biogenesis disorder. Identifiers: Orphanet 79189, MedGen C1832200, MONDO:0019234. Disease mechanism: loss of function.

Submission:

Victorian Clinical Genetics Services, Murdoch Childrens Research Institute
Classification: Uncertain significance for Peroxisome biogenesis disorder. Last evaluated: 2020-06-11. Review status: criteria provided, single submitter. Criteria: ACMG Guidelines, 2015. Collection method: clinical testing. Allele origin: germline. Inheritance: Autosomal recessive inheritance.
Comment: Based on the classification scheme VCGS_Germline_v1.1.1, this variant is classified as 3B-VUS. Following criteria are met: 0102 - Loss-of-function is a known mechanism of disease for this gene. (N) 0106 - This gene is known to be associated with autosomal recessive disease. (N) 0200 - Variant is predicted to result in a missense amino acid change from leucine to proline (exon 13). (N) 0251 - Variant is heterozygous. (N) 0301 - Variant is absent from gnomAD. (P) 0309 - An alternative amino acid change at the same position has been observed in gnomAD (1 heterozygote, 0 homozygotes). (N) 0501 - Missense variant consistently predicted to be damaging by multiple in silico tools or highly conserved with a major amino acid change. (P) 0600 - Variant is located in an annotated domain or motif (AAA domain - ATPase family associated with various cellular activities; PDB). (N) 0705 - No comparable variants have previous evidence for pathogenicity. (N) 0807 - Variant has not previously been reported in a clinical context. (N) 0905 - No segregation evidence has been identified for this variant. (N) 1007 - No published functional evidence has been identified for this variant. (N) 1208 - Inheritance information for this variant is not currently available. (N) Legend: (P) - Pathogenic, (N) - Neutral, (B) - Benign